The following is an entry in ClinVar:

ClinVar aggregate classification (germline): Uncertain significance (1 of 4 stars; one submission).

gnomAD v4.1: 8 of 1,614,088 alleles (0.0005%); highest among the groups gnomAD compares: Admixed American, 0.0067%; no homozygotes.

Submission:

Mayo Clinic Laboratories, Mayo Clinic
Classification: Uncertain significance. Last evaluated: 2023-12-04. Review status: criteria provided, single submitter. Criteria: ACMG Guidelines, 2015. Collection method: clinical testing. Allele origin: germline. Observed: 1 variant allele.
Comment: BP4

NM_003647.3(DGKE):c.1447T>C (p.Tyr483His)

Gene: DGKE (diacylglycerol kinase epsilon; plus strand). Cytogenetic location: 17q22.
Variant type: single nucleotide variant.
Coding change: c.1447T>C on transcript NM_003647.3 (MANE Select); coding-DNA position 1447, T replaced by C.
Protein change: p.Tyr483His; replaces tyrosine 483 with histidine.
Molecular consequence: missense variant.
Genome position (GRCh38, 1-based): chr17:56,862,174, T>C. VCF-style: chr17-56862174-T-C. GRCh37 (hg19) VCF-style: chr17-54939535-T-C.
Other names: p.Tyr483His; short protein forms Y483H.
Identifiers: ClinVar variation 3380508 (VCV003380508.1).